The following is an entry in ClinVar:

ClinVar aggregate classification (germline): Likely benign. Review status: criteria provided, multiple submitters, no conflicts (2 of 4 stars). 2 submissions from 2 submitters: Likely benign (2). Last evaluated 2025-09-17.

Conditions:
DNM2-related disorder. Also called: DNM2-related condition.
Charcot-Marie-Tooth disease dominant intermediate B (CMTDIB). Also called: CHARCOT-MARIE-TOOTH NEUROPATHY, DOMINANT INTERMEDIATE B; Charcot-Marie-Tooth disease dominant intermediate 1; CMT DI1; Charcot-Marie-Tooth disease dominant intermediate I. Identifiers: Orphanet 100044, Orphanet 228179, MedGen C1847902, MONDO:0011674, OMIM 606482.

gnomAD v4.1: 5 of 1,613,500 alleles (0.00031%); highest among the groups gnomAD compares: South Asian, 0.0011%; no homozygotes.

Submissions (2):

PreventionGenetics, part of Exact Sciences
Classification: Likely benign for DNM2-related condition. Last evaluated: 2025-09-17. Review status: criteria provided, single submitter. Criteria: ACMG Guidelines, 2015. Collection method: clinical testing. Allele origin: germline.
Comment: This variant is classified as likely benign based on ACMG/AMP sequence variant interpretation guidelines (Richards et al. 2015 PMID: 25741868, with internal and published modifications).

Labcorp Genetics (formerly Invitae), Labcorp
Classification: Likely benign for Charcot-Marie-Tooth disease dominant intermediate B. Last evaluated: 2023-11-05. Review status: criteria provided, single submitter. Criteria: Invitae Variant Classification Sherloc (09022015). Collection method: clinical testing. Allele origin: germline.

NM_001005361.3(DNM2):c.1782-7C>G

Gene: DNM2 (dynamin 2; plus strand). Cytogenetic location: 19p13.2.
Variant type: single nucleotide variant.
Coding change: c.1782-7C>G on transcript NM_001005361.3 (MANE Select); 7 bases into the intron before coding-DNA position 1782, C replaced by G.
Molecular consequence: intron variant.
Genome position (GRCh38, 1-based): chr19:10,823,781, C>G. VCF-style: chr19-10823781-C-G. GRCh37 (hg19) VCF-style: chr19-10934457-C-G.
Other names: c.1782-7C>G (NM_001005360.3, NM_001190716.2); c.1770-7C>G (NM_004945.4, NM_001005362.3).
Identifiers: ClinVar variation 835379 (VCV000835379.8), dbSNP rs200843089, ClinGen allele CA9201406.